The following is an entry in ClinVar:

ClinVar aggregate classification (germline): Uncertain significance. Review status: criteria provided, multiple submitters, no conflicts (2 of 4 stars). 2 submissions from 2 submitters: Uncertain significance (2). Last evaluated 2024-02-12.

Conditions:
Hereditary cancer-predisposing syndrome. Also called: Hereditary neoplastic syndrome; Tumor predisposition; Neoplastic Syndromes, Hereditary; Hereditary Cancer Syndrome. Identifiers: Orphanet 140162, MedGen C0027672, MeSH D009386, MONDO:0015356.
DICER1-related tumor predisposition. Also called: DICER1 syndrome; DICER1-related pleuropulmonary blastoma cancer predisposition syndrome. Identifiers: Orphanet 284343, MedGen C3839822, MONDO:0100216.

Submissions (2):

Labcorp Genetics (formerly Invitae), Labcorp
Classification: Uncertain significance for DICER1-related tumor predisposition. Last evaluated: 2024-02-12. Review status: criteria provided, single submitter. Criteria: Invitae Variant Classification Sherloc (09022015). Collection method: clinical testing. Allele origin: germline.
Comment: This sequence change replaces leucine, which is neutral and non-polar, with valine, which is neutral and non-polar, at codon 1033 of the DICER1 protein (p.Leu1033Val). This variant is not present in population databases (gnomAD no frequency). This variant has not been reported in the literature in individuals affected with DICER1-related conditions. ClinVar contains an entry for this variant (Variation ID: 2451735). Advanced modeling of protein sequence and biophysical properties (such as structural, functional, and spatial information, amino acid conservation, physicochemical variation, residue mobility, and thermodynamic stability) has been performed at Invitae for this missense variant, however the output from this modeling did not meet the statistical confidence thresholds required to predict the impact of this variant on DICER1 protein function. Algorithms developed to predict the effect of sequence changes on RNA splicing suggest that this variant may create or strengthen a splice site. In summary, the available evidence is currently insufficient to determine the role of this variant in disease. Therefore, it has been classified as a Variant of Uncertain Significance.

Ambry Genetics
Classification: Uncertain significance for Hereditary cancer-predisposing syndrome. Last evaluated: 2023-03-10. Review status: criteria provided, single submitter. Criteria: Ambry Variant Classification Scheme 2023. Collection method: clinical testing. Allele origin: germline.
Comment: The p.L1033V variant (also known as c.3097C>G), located in coding exon 19 of the DICER1 gene, results from a C to G substitution at nucleotide position 3097. The leucine at codon 1033 is replaced by valine, an amino acid with highly similar properties. This amino acid position is highly conserved in available vertebrate species. In addition, the in silico prediction for this alteration is inconclusive. Since supporting evidence is limited at this time, the clinical significance of this alteration remains unclear.

NM_177438.3(DICER1):c.3097C>G (p.Leu1033Val)

Gene: DICER1 (dicer 1, ribonuclease III; minus strand). Cytogenetic location: 14q32.13.
Variant type: single nucleotide variant.
Coding change: c.3097C>G on transcript NM_177438.3 (MANE Select); coding-DNA position 3097, C replaced by G.
Protein change: p.Leu1033Val; replaces leucine 1033 with valine.
Molecular consequence: missense variant. On other transcripts: non-coding transcript variant (6).
Genome position (GRCh38, 1-based): chr14:95,105,243, G>C on the plus strand (C>G on the coding strand, the complement: DICER1 is on the minus strand). VCF-style: chr14-95105243-G-C. GRCh37 (hg19) VCF-style: chr14-95571580-G-C.
Other names: c.3097C>G, p.Leu1033Val (NM_001195573.1, NM_001271282.3, NM_001291628.2 and 13 more transcripts); c.2815C>G, p.Leu939Val (NM_001395686.1); c.2692C>G, p.Leu898Val (NM_001395687.1, NM_001395688.1, NM_001395689.1 and 2 more transcripts); c.2530C>G, p.Leu844Val (NM_001395691.1); c.1414C>G, p.Leu472Val (NM_001395697.1); short protein forms L1033V, L898V, L472V, L844V, L939V.
Identifiers: ClinVar variation 2451735 (VCV002451735.4), dbSNP rs1595371304, ClinGen allele CA390876966.